The following is an entry in ClinVar:

ClinVar aggregate classification (germline): Conflicting classifications of pathogenicity. Review status: criteria provided, conflicting classifications (1 of 4 stars). 2 submissions from 2 submitters: Likely pathogenic (1); Uncertain significance (1). Last evaluated 2021-08-31.

Conditions:
Dyskeratosis congenita, autosomal dominant 2. Identifiers: MedGen C3151443, MONDO:0013521, OMIM 613989.
Idiopathic Pulmonary Fibrosis. Also called: Idiopathic fibrosing alveolitis, chronic form; idiopathic fibrosing alveolitis. Identifiers: Orphanet 2032, MedGen C1800706, MeSH D054990, MONDO:0800504.

gnomAD v4.1: 3 of 1,568,072 alleles (0.00019%); highest among the groups gnomAD compares: South Asian, 0.0023%; no homozygotes.

Submissions (2):

Labcorp Genetics (formerly Invitae), Labcorp
Classification: Uncertain significance for Dyskeratosis congenita, autosomal dominant 2; Idiopathic Pulmonary Fibrosis. Last evaluated: 2021-08-31. Review status: criteria provided, single submitter. Criteria: Invitae Variant Classification Sherloc (09022015). Collection method: clinical testing. Allele origin: germline.
Comment: This sequence change replaces arginine with leucine at codon 301 of the TERT protein (p.Arg301Leu). The arginine residue is weakly conserved and there is a moderate physicochemical difference between arginine and leucine. This variant is not present in population databases (ExAC no frequency). This variant has not been reported in the literature in individuals affected with TERT-related conditions. Algorithms developed to predict the effect of missense changes on protein structure and function (SIFT, PolyPhen-2, Align-GVGD) all suggest that this variant is likely to be tolerated. In summary, the available evidence is currently insufficient to determine the role of this variant in disease. Therefore, it has been classified as a Variant of Uncertain Significance.

Dept. of Cytogenetics, ICMR- National Institute of Immunohaematology
Classification: Likely pathogenic for Dyskeratosis congenita, autosomal dominant 2. Review status: criteria provided, single submitter. Criteria: ACMG Guidelines, 2015. Collection method: clinical testing. Allele origin: inherited. Affected: yes. Observed: 1 variant allele.

NM_198253.3(TERT):c.902G>T (p.Arg301Leu)

Gene: TERT (telomerase reverse transcriptase; minus strand). Cytogenetic location: 5p15.33.
Variant type: single nucleotide variant.
Coding change: c.902G>T on transcript NM_198253.3 (MANE Select); coding-DNA position 902, G replaced by T.
Protein change: p.Arg301Leu; replaces arginine 301 with leucine.
Molecular consequence: missense variant. On other transcripts: non-coding transcript variant (2).
Genome position (GRCh38, 1-based): chr5:1,293,984, C>A on the plus strand (G>T on the coding strand, the complement: TERT is on the minus strand). VCF-style: chr5-1293984-C-A. GRCh37 (hg19) VCF-style: chr5-1294099-C-A.
Other names: c.902G>T, p.Arg301Leu (NM_001193376.3); short protein forms R301L.
Identifiers: ClinVar variation 956633 (VCV000956633.9), dbSNP rs1268051204, ClinGen allele CA359056225.